The following is an entry in ClinVar:

ClinVar aggregate classification (germline): Uncertain significance. Review status: criteria provided, single submitter (1 of 4 stars). 2 submissions from 2 submitters: Uncertain significance (1). 1 of the submissions does not count toward it. Last evaluated 2022-08-23.

Conditions:
Usher syndrome type 1F (USH1F). Also called: USHER SYNDROME, TYPE IF. Identifiers: Orphanet 231169, Orphanet 886, MedGen C1865885, MONDO:0011186, OMIM 602083.

Allele frequency attached by ClinVar (database versions not stated): gnomAD exomes below 0.00001; TOPMed 0.00001.
gnomAD v4.1: 6 of 1,613,754 alleles (0.00037%); highest among the groups gnomAD compares: African/African-American, 0.004%; no homozygotes.

Submissions (2):

Labcorp Genetics (formerly Invitae), Labcorp
Classification: Uncertain significance. Last evaluated: 2022-08-23. Review status: criteria provided, single submitter. Criteria: Invitae Variant Classification Sherloc (09022015). Collection method: clinical testing. Allele origin: germline.
Comment: This sequence change replaces isoleucine, which is neutral and non-polar, with threonine, which is neutral and polar, at codon 841 of the PCDH15 protein (p.Ile841Thr). This variant is present in population databases (rs567811243, gnomAD 0.0009%). Algorithms developed to predict the effect of missense changes on protein structure and function are either unavailable or do not agree on the potential impact of this missense change (SIFT: "Deleterious"; PolyPhen-2: "Possibly Damaging"; Align-GVGD: "Class C0"). This variant has not been reported in the literature in individuals affected with PCDH15-related conditions. ClinVar contains an entry for this variant (Variation ID: 971962). In summary, the available evidence is currently insufficient to determine the role of this variant in disease. Therefore, it has been classified as a Variant of Uncertain Significance.

Natera, Inc.
Classification: Uncertain significance for Usher syndrome type 1F. Last evaluated: 2020-06-29. Review status: no assertion criteria provided. Collection method: clinical testing. Allele origin: germline. Not counted in ClinVar's aggregate classification.

NM_001384140.1(PCDH15):c.2522T>C (p.Ile841Thr)

Gene: PCDH15 (protocadherin related 15; minus strand). Cytogenetic location: 10q21.1.
Variant type: single nucleotide variant.
Coding change: c.2522T>C on transcript NM_001384140.1 (MANE Select); coding-DNA position 2522, T replaced by C.
Protein change: p.Ile841Thr; replaces isoleucine 841 with threonine.
Molecular consequence: missense variant.
Genome position (GRCh38, 1-based): chr10:54,022,896, A>G on the plus strand (T>C on the coding strand, the complement: PCDH15 is on the minus strand). VCF-style: chr10-54022896-A-G. GRCh37 (hg19) VCF-style: chr10-55782656-A-G.
Other names: c.2537T>C, p.Ile846Thr (NM_001142763.2, NM_001142771.2); c.2522T>C, p.Ile841Thr (NM_001142764.2, NM_001142766.2, NM_001142770.3 and 5 more transcripts); c.2309T>C, p.Ile770Thr (NM_001142765.2); c.2411T>C, p.Ile804Thr (NM_001142767.2); c.2456T>C, p.Ile819Thr (NM_001142768.2, NM_001142773.2, NM_001354404.2); c.2558T>C, p.Ile853Thr (NM_001142769.4); c.2543T>C, p.Ile848Thr (NM_001354411.2); short protein forms I770T, I819T, I804T, I846T, I848T, I841T, I853T.
Identifiers: ClinVar variation 971962 (VCV000971962.10), dbSNP rs567811243, ClinGen allele CA5506012.